The following is an entry in ClinVar:

ClinVar aggregate classification (germline): Pathogenic (1 of 4 stars; one submission).

Conditions:
X-linked myopathy with postural muscle atrophy. Also called: FHL1-Related Emery-Dreifuss Muscular Dystrophy, X-Linked. Identifiers: Orphanet 178461, MedGen C2678055, MONDO:0010401, OMIM 300696.

Submission:

Labcorp Genetics (formerly Invitae), Labcorp
Classification: Pathogenic for X-linked myopathy with postural muscle atrophy. Last evaluated: 2022-08-22. Review status: criteria provided, single submitter. Criteria: Invitae Variant Classification Sherloc (09022015). Collection method: clinical testing. Allele origin: germline.
Comment: A gross deletion of the genomic region encompassing the full coding sequence of the FHL1 gene has been identified. Loss-of-function variants in FHL1 are known to be pathogenic (PMID: 18179888, 19687455, 19716112, 22523091, 24114807). The boundaries of this event are unknown as they extend beyond the assayed region for this gene and therefore may encompass additional genes. Isolated whole-gene deletions of FHL1 have not been reported in the literature. However, larger copy number events that include this gene have been reported (PMID: 27409453). For these reasons, this variant has been classified as Pathogenic.

Literature cited by the submitters: PubMed 18179888; PubMed 19687455; PubMed 19716112; PubMed 22523091; PubMed 24114807; PubMed 27409453.

NC_000023.10:g.(?_135288556)_(135293528_?)del

Gene: FHL1 (four and a half LIM domains 1; plus strand). Cytogenetic location: Xq26.3.
Variant type: Deletion.
Identifiers: ClinVar variation 1071860 (VCV001071860.7).